The following is an entry in ClinVar:

ClinVar aggregate classification (germline): Uncertain significance (1 of 4 stars; one submission).

gnomAD v4.1: 1 of 1,614,074 alleles (0.000062%); highest among the groups gnomAD compares: South Asian, 0.0011%; no homozygotes.

Submission:

Labcorp Genetics (formerly Invitae), Labcorp
Classification: Uncertain significance. Last evaluated: 2021-04-19. Review status: criteria provided, single submitter. Criteria: Invitae Variant Classification Sherloc (09022015). Collection method: clinical testing. Allele origin: germline.
Comment: Algorithms developed to predict the effect of missense changes on protein structure and function (SIFT, PolyPhen-2, Align-GVGD) all suggest that this variant is likely to be tolerated, but these predictions have not been confirmed by published functional studies and their clinical significance is uncertain. This variant has not been reported in the literature in individuals with SPECC1L-related conditions. This variant is present in population databases (rs770718144, ExAC 0.006%). This sequence change replaces glycine with alanine at codon 9 of the SPECC1L protein (p.Gly9Ala). The glycine residue is moderately conserved and there is a small physicochemical difference between glycine and alanine. In summary, the available evidence is currently insufficient to determine the role of this variant in disease. Therefore, it has been classified as a Variant of Uncertain Significance.

NM_015330.6(SPECC1L):c.26G>C (p.Gly9Ala)

Genes: SPECC1L (sperm antigen with calponin homology and coiled-coil domains 1 like; plus strand), SPECC1L-ADORA2A (SPECC1L-ADORA2A readthrough (NMD candidate); plus strand). Cytogenetic location: 22q11.23.
Variant type: single nucleotide variant.
Coding change: c.26G>C on transcript NM_015330.6 (MANE Select); coding-DNA position 26, G replaced by C.
Protein change: p.Gly9Ala; replaces glycine 9 with alanine.
Molecular consequence: missense variant. On other transcripts: non-coding transcript variant (1).
Genome position (GRCh38, 1-based): chr22:24,302,257, G>C. VCF-style: chr22-24302257-G-C. GRCh37 (hg19) VCF-style: chr22-24698225-G-C.
Other names: c.26G>C, p.Gly9Ala (NM_001145468.4, NM_001254732.3); short protein forms G9A.
Identifiers: ClinVar variation 1514996 (VCV001514996.8), dbSNP rs770718144, ClinGen allele CA10151856.
Genomic context (GRCh38, chr22:24,302,257, plus strand): 5'-TTGCTTGTAAATGCATCACGAAGAGGCAGCCCAGAATGAAGAAAGCAAGCAGGAGTGTTG[G>C]CTCAGTGCCTAAAGTGTCTGCAATAAGTAAAACGCAAACAGCAGAAAAAATTAAACCTGA-3'
Protein context (NP_056145.5, residues 1-19): MKKASRSV[Gly9Ala]SVPKVSAISK